The following is an entry in ClinVar:

NM_001999.4(FBN2):c.3505T>C (p.Cys1169Arg)

Gene: FBN2 (fibrillin 2; minus strand). Cytogenetic location: 5q23.3.
Variant type: single nucleotide variant.
Coding change: c.3505T>C on transcript NM_001999.4 (MANE Select); coding-DNA position 3505, T replaced by C.
Protein change: p.Cys1169Arg; replaces cysteine 1169 with arginine.
Molecular consequence: missense variant.
Genome position (GRCh38, 1-based): chr5:128,338,090, A>G on the plus strand (T>C on the coding strand, the complement: FBN2 is on the minus strand). VCF-style: chr5-128338090-A-G. GRCh37 (hg19) VCF-style: chr5-127673782-A-G.
Other names: short protein forms C1169R.
Identifiers: ClinVar variation 2751137 (VCV002751137.3), dbSNP rs2479809648, ClinGen allele CA360759480.

ClinVar aggregate classification (germline): Likely pathogenic (1 of 4 stars; one submission).

Conditions:
Congenital contractural arachnodactyly (CCA). Also called: BEALS SYNDROME; Beals-Hecht syndrome; Arthrogryposis, distal, type 9. Identifiers: Orphanet 115, MedGen C0220668, MONDO:0007363, OMIM 121050.

Submission:

Labcorp Genetics (formerly Invitae), Labcorp
Classification: Likely pathogenic for Congenital contractural arachnodactyly. Last evaluated: 2023-08-19. Review status: criteria provided, single submitter. Criteria: Invitae Variant Classification Sherloc (09022015). Collection method: clinical testing. Allele origin: germline.
Comment: Algorithms developed to predict the effect of sequence changes on RNA splicing suggest that this variant may disrupt the consensus splice site. In summary, the currently available evidence indicates that the variant is pathogenic, but additional data are needed to prove that conclusively. Therefore, this variant has been classified as Likely Pathogenic. This variant affects a cysteine residue located within an epidermal growth factor (EGF)–like domain of the FBN2 protein. Cysteine residues in these domains are involved in the formation of disulfide bridges critical for protein structure and stability (PMID: 3495735, 4750422, 16677079). In addition, missense substitutions within the FBN2 EGF-like domains affecting cysteine residues are overrepresented in patients with congenital contractural arachnodactyly (PMID: 18767143). Advanced modeling of protein sequence and biophysical properties (such as structural, functional, and spatial information, amino acid conservation, physicochemical variation, residue mobility, and thermodynamic stability) performed at Invitae indicates that this missense variant is expected to disrupt FBN2 protein function. This variant has not been reported in the literature in individuals affected with FBN2-related conditions. This variant is not present in population databases (gnomAD no frequency). This sequence change replaces cysteine, which is neutral and slightly polar, with arginine, which is basic and polar, at codon 1169 of the FBN2 protein (p.Cys1169Arg).

Literature cited by the submitters: PubMed 3495735; PubMed 4750422; PubMed 16677079; PubMed 18767143.